The following is an entry in ClinVar:

ClinVar aggregate classification (germline): Uncertain significance (1 of 4 stars; one submission).

Submission:

Labcorp Genetics (formerly Invitae), Labcorp
Classification: Uncertain significance. Last evaluated: 2022-01-28. Review status: criteria provided, single submitter. Criteria: Invitae Variant Classification Sherloc (09022015). Collection method: clinical testing. Allele origin: germline.
Comment: In summary, the available evidence is currently insufficient to determine the role of this variant in disease. Therefore, it has been classified as a Variant of Uncertain Significance. Algorithms developed to predict the effect of missense changes on protein structure and function (SIFT, PolyPhen-2, Align-GVGD) all suggest that this variant is likely to be tolerated. This variant has not been reported in the literature in individuals affected with TOP2B-related conditions. This variant is not present in population databases (gnomAD no frequency). This sequence change replaces asparagine, which is neutral and polar, with lysine, which is basic and polar, at codon 890 of the TOP2B protein (p.Asn890Lys).

NM_001330700.2(TOP2B):c.2685C>A (p.Asn895Lys)

Gene: TOP2B (DNA topoisomerase II beta; minus strand). Cytogenetic location: 3p24.2.
Variant type: single nucleotide variant.
Coding change: c.2685C>A on transcript NM_001330700.2 (MANE Select); coding-DNA position 2685, C replaced by A.
Protein change: p.Asn895Lys; replaces asparagine 895 with lysine.
Molecular consequence: missense variant.
Genome position (GRCh38, 1-based): chr3:25,623,557, G>T on the plus strand (C>A on the coding strand, the complement: TOP2B is on the minus strand). VCF-style: chr3-25623557-G-T. GRCh37 (hg19) VCF-style: chr3-25665048-G-T.
Other names: c.2670C>A, p.Asn890Lys (NM_001068.3); short protein forms N890K, N895K.
Identifiers: ClinVar variation 1465213 (VCV001465213.8), dbSNP rs1330153740, ClinGen allele CA351900412.